The following is an entry in ClinVar:

ClinVar aggregate classification (germline): not provided (0 of 4 stars; one submission).

Allele frequency attached by ClinVar (database versions not stated): 1000 Genomes Project 0.00280; gnomAD 0.00324 and 0.00346; gnomAD exomes 0.00036; 1000 Genomes Project 30x 0.00297; TOPMed 0.00357.
gnomAD v4.1: 674 of 676,684 alleles (0.1%); highest among the groups gnomAD compares: African/African-American, 1.1%; 3 homozygotes.

Submission:

Human Evolutionary Genetics, Institut Pasteur
No classification provided. Review status: no classification provided. Collection method: not provided. Allele origin: germline.
ClinVar note: Converted during submission from untested to not provided.

NM_001199138.2(NLRC4):c.2-130C>G

Gene: NLRC4 (NLR family CARD domain containing 4; minus strand). Cytogenetic location: 2p22.3.
Variant type: single nucleotide variant.
Coding change: c.2-130C>G on transcript NM_001199138.2 (MANE Select); 130 bases into the intron before coding-DNA position 2, C replaced by G.
Molecular consequence: intron variant.
Genome position (GRCh38, 1-based): chr2:32,252,809, G>C on the plus strand (C>G on the coding strand, the complement: NLRC4 is on the minus strand). VCF-style: chr2-32252809-G-C. GRCh37 (hg19) VCF-style: chr2-32477878-G-C.
Other names: c.2-130C>G (NM_001302504.1, NM_021209.4, NM_001199139.1).
Identifiers: ClinVar variation 103076 (VCV000103076.2), dbSNP rs199476293, ClinGen allele CA230085.